The following is an entry in ClinVar:

ClinVar aggregate classification (germline): Pathogenic. Review status: criteria provided, single submitter (1 of 4 stars). 2 submissions from 2 submitters: Pathogenic (1). 1 of the submissions does not count toward it. Last evaluated 2023-12-13.

Conditions:
Tuberous sclerosis syndrome (TSC). Also called: Tuberous Sclerosis Complex; Tuberous sclerosis. Identifiers: Orphanet 805, MedGen C0041341, MONDO:0001734.
Tuberous sclerosis 1 (TSC1). Identifiers: Orphanet 805, MedGen C1854465, MONDO:0008612, OMIM 191100.

Submissions (2):

Labcorp Genetics (formerly Invitae), Labcorp
Classification: Pathogenic for Tuberous sclerosis 1. Last evaluated: 2023-12-13. Review status: criteria provided, single submitter. Criteria: Invitae Variant Classification Sherloc (09022015). Collection method: clinical testing. Allele origin: germline.
Comment: This sequence change creates a premature translational stop signal (p.Ser334*) in the TSC1 gene. It is expected to result in an absent or disrupted protein product. Loss-of-function variants in TSC1 are known to be pathogenic (PMID: 10227394, 17304050). This variant is not present in population databases (gnomAD no frequency). This premature translational stop signal has been observed in individual(s) with TSC1-related conditions (PMID: 9328481). ClinVar contains an entry for this variant (Variation ID: 48726). Algorithms developed to predict the effect of sequence changes on RNA splicing suggest that this variant may disrupt the consensus splice site. For these reasons, this variant has been classified as Pathogenic.

Tuberous sclerosis database (TSC1)
No classification provided. Condition: TSC. Review status: no classification provided. Criteria: Tuberous Sclerosis Database Assertion Criteria 2015. Collection method: curation. Allele origin: germline. Affected: yes. Not counted in ClinVar's aggregate classification.

Literature cited by the submitters: PubMed 10227394 (cited by Labcorp Genetics (formerly Invitae), Labcorp); PubMed 17304050 (cited by Labcorp Genetics (formerly Invitae), Labcorp); PubMed 9328481 (cited by Labcorp Genetics (formerly Invitae), Labcorp).

NM_000368.5(TSC1):c.1001C>A (p.Ser334Ter)

Gene: TSC1 (TSC complex subunit 1; minus strand). Cytogenetic location: 9q34.13.
Variant type: single nucleotide variant.
Coding change: c.1001C>A on transcript NM_000368.5 (MANE Select); coding-DNA position 1001, C replaced by A.
Protein change: p.Ser334Ter; replaces serine 334 with a stop codon.
Molecular consequence: nonsense.
Genome position (GRCh38, 1-based): chr9:132,911,481, G>T on the plus strand (C>A on the coding strand, the complement: TSC1 is on the minus strand). VCF-style: chr9-132911481-G-T. GRCh37 (hg19) VCF-style: chr9-135786868-G-T.
Other names: c.1001C>A, p.Ser334Ter (NM_001162426.2); c.848C>A, p.Ser283Ter (NM_001162427.2); c.638C>A, p.Ser213Ter (NM_001362177.2); short protein forms S334*, S283*, S213*.
Identifiers: ClinVar variation 48726 (VCV000048726.5), dbSNP rs118203481, ClinGen allele CA004269.